The following is an entry in ClinVar:

ClinVar aggregate classification (germline): Uncertain significance. Review status: criteria provided, multiple submitters, no conflicts (2 of 4 stars). 2 submissions from 2 submitters: Uncertain significance (2). Last evaluated 2025-04-09.

Conditions:
Neurofibromatosis, type 1 (NF1). Also called: Neurofibromatosis, type I; NEUROFIBROMATOSIS, TYPE I, SOMATIC; VON RECKLINGHAUSEN DISEASE; Peripheral type neurofibromatosis. Identifiers: Orphanet 636, MedGen C0027831, MONDO:0018975, OMIM 162200. Disease mechanism: loss of function.

Submissions (2):

NHS Central & South Genomic Laboratory Hub
Classification: Uncertain significance for Neurofibromatosis type 1. Last evaluated: 2025-04-09. Review status: criteria provided, single submitter. Criteria: ACMG Guidelines, 2015. Collection method: clinical testing. Allele origin: germline. Affected: yes.

Institute for Clinical Genetics, University Hospital TU Dresden, University Hospital TU Dresden
Classification: Uncertain significance. Last evaluated: 2023-05-15. Review status: criteria provided, single submitter. Criteria: ACMG Guidelines, 2015. Collection method: clinical testing. Allele origin: germline.
Comment: PM2_SUP, PP3_MOD

NM_001042492.3(NF1):c.5812+4A>G

Gene: NF1 (neurofibromin 1; plus strand). Cytogenetic location: 17q11.2.
Variant type: single nucleotide variant.
Coding change: c.5812+4A>G on transcript NM_001042492.3 (MANE Select); 4 bases into the intron after coding-DNA position 5812, A replaced by G.
Molecular consequence: intron variant.
Genome position (GRCh38, 1-based): chr17:31,330,502, A>G. VCF-style: chr17-31330502-A-G. GRCh37 (hg19) VCF-style: chr17-29657520-A-G.
Other names: c.5749+4A>G (NM_000267.4).
Identifiers: ClinVar variation 2576109 (VCV002576109.2), dbSNP rs1597834988, ClinGen allele CA2580614104.